The following is an entry in ClinVar:

ClinVar aggregate classification (germline): Uncertain significance. Review status: criteria provided, multiple submitters, no conflicts (2 of 4 stars). 2 submissions from 2 submitters: Uncertain significance (2). Last evaluated 2023-07-26.

Conditions:
Familial cancer of breast. Also called: Hereditary breast cancer; hereditary breast carcinoma; BREAST CANCER, FAMILIAL. Identifiers: Orphanet 227535, MedGen C0346153, MONDO:0016419, OMIM 114480. Disease mechanism: loss of function.
Hereditary cancer-predisposing syndrome. Also called: Neoplastic Syndromes, Hereditary; Hereditary Cancer Syndrome; Hereditary neoplastic syndrome; Tumor predisposition. Identifiers: Orphanet 140162, MedGen C0027672, MeSH D009386, MONDO:0015356.

Allele frequency attached by ClinVar (database versions not stated): gnomAD exomes below 0.00001; ExAC 0.00001.
gnomAD v4.1: 1 of 1,601,904 alleles (0.000062%); highest among the groups gnomAD compares: East Asian, 0.0022%; no homozygotes.

Submissions (2):

Labcorp Genetics (formerly Invitae), Labcorp
Classification: Uncertain significance for Familial cancer of breast. Last evaluated: 2023-07-26. Review status: criteria provided, single submitter. Criteria: Invitae Variant Classification Sherloc (09022015). Collection method: clinical testing. Allele origin: germline.
Comment: This variant has not been reported in the literature in individuals affected with PALB2-related conditions. In summary, the available evidence is currently insufficient to determine the role of this variant in disease. Therefore, it has been classified as a Variant of Uncertain Significance. Algorithms developed to predict the effect of sequence changes on RNA splicing suggest that this variant may disrupt the consensus splice site. An algorithm developed to predict the effect of missense changes on protein structure and function (PolyPhen-2) suggests that this variant is likely to be tolerated. ClinVar contains an entry for this variant (Variation ID: 2562469). This variant is present in population databases (rs753767237, gnomAD 0.006%). This sequence change replaces valine, which is neutral and non-polar, with leucine, which is neutral and non-polar, at codon 917 of the PALB2 protein (p.Val917Leu).

Ambry Genetics
Classification: Uncertain significance for Hereditary cancer-predisposing syndrome. Last evaluated: 2023-06-02. Review status: criteria provided, single submitter. Criteria: Ambry Variant Classification Scheme 2023. Collection method: clinical testing. Allele origin: germline.
Comment: The p.V917L variant (also known as c.2749G>C) is located in coding exon 8 of the PALB2 gene. The valine at codon 917 is replaced by leucine, an amino acid with highly similar properties. This change occurs in the first base pair of coding exon 8. This amino acid position is not well conserved in available vertebrate species. In addition, this alteration is predicted to be tolerated by in silico analysis. Since supporting evidence is limited at this time, the clinical significance of this alteration remains unclear.

NM_024675.4(PALB2):c.2749G>C (p.Val917Leu)

Gene: PALB2 (partner and localizer of BRCA2; minus strand). Cytogenetic location: 16p12.2.
Variant type: single nucleotide variant.
Coding change: c.2749G>C on transcript NM_024675.4 (MANE Select); coding-DNA position 2749, G replaced by C.
Protein change: p.Val917Leu; replaces valine 917 with leucine.
Molecular consequence: missense variant.
Genome position (GRCh38, 1-based): chr16:23,624,094, C>G on the plus strand (G>C on the coding strand, the complement: PALB2 is on the minus strand). VCF-style: chr16-23624094-C-G. GRCh37 (hg19) VCF-style: chr16-23635415-C-G.
Other names: c.2689G>C, p.Val897Leu (NM_001407296.1); c.2677G>C, p.Val893Leu (NM_001407297.1); c.2587G>C, p.Val863Leu (NM_001407298.1, NM_001407302.1); c.2749G>C, p.Val917Leu (NM_001407299.1, NM_001407300.1, NM_001407301.1); c.1864G>C, p.Val622Leu (NM_001407304.1, NM_001407305.1, NM_001407306.1 and 4 more transcripts); c.1702G>C, p.Val568Leu (NM_001407307.1); c.961G>C, p.Val321Leu (NM_001407312.1, NM_001407313.1); c.283G>C, p.Val95Leu (NM_001407314.1); short protein forms V568L, V917L, V863L, V893L, V95L, V622L, V897L, V321L.
Identifiers: ClinVar variation 2562469 (VCV002562469.5), dbSNP rs753767237, ClinGen allele CA7963490.